The following is an entry in ClinVar:

NM_015311.3(OBSL1):c.4373T>A (p.Val1458Glu)

Gene: OBSL1 (obscurin like cytoskeletal adaptor 1; minus strand). Cytogenetic location: 2q35.
Variant type: single nucleotide variant.
Coding change: c.4373T>A on transcript NM_015311.3 (MANE Select); coding-DNA position 4373, T replaced by A.
Protein change: p.Val1458Glu; replaces valine 1458 with glutamic acid.
Molecular consequence: missense variant.
Genome position (GRCh38, 1-based): chr2:219,556,256, A>T on the plus strand (T>A on the coding strand, the complement: OBSL1 is on the minus strand). VCF-style: chr2-219556256-A-T. GRCh37 (hg19) VCF-style: chr2-220420978-A-T.
Other names: c.4373T>A, p.Val1458Glu (NM_001173431.2); short protein forms V1458E.
Identifiers: ClinVar variation 1931938 (VCV001931938.5), dbSNP rs545841224, ClinGen allele CA66027111.
Genomic context (GRCh38, chr2:219,556,256, plus strand): 5'-GCTGCACCCACTCGGCCTGTCTCCACTTCGAGACACACATCCTGGCCTTCCTCTGCCCGC[A>T]CATCCTGCAACCGCCGTAGGAACAGCAGCTCTGTCTCTGGTGGGGAAGAAGGAGGCCATG-3'
Protein context (NP_056126.1, residues 1448-1468): ELLFLRRLQD[Val1458Glu]RAEEGQDVCL

ClinVar aggregate classification (germline): Uncertain significance (1 of 4 stars; one submission).

Allele frequency attached by ClinVar (database versions not stated): gnomAD exomes below 0.00001.
gnomAD v4.1: 6 of 1,594,614 alleles (0.00038%); highest among the groups gnomAD compares: African/African-American, 0.004%; no homozygotes.

Submission:

Labcorp Genetics (formerly Invitae), Labcorp
Classification: Uncertain significance. Last evaluated: 2022-07-13. Review status: criteria provided, single submitter. Criteria: Invitae Variant Classification Sherloc (09022015). Collection method: clinical testing. Allele origin: germline.
Comment: Algorithms developed to predict the effect of missense changes on protein structure and function are either unavailable or do not agree on the potential impact of this missense change (SIFT: "Deleterious"; PolyPhen-2: "Possibly Damaging"; Align-GVGD: "Class C0"). In summary, the available evidence is currently insufficient to determine the role of this variant in disease. Therefore, it has been classified as a Variant of Uncertain Significance. This variant has not been reported in the literature in individuals affected with OBSL1-related conditions. This variant is not present in population databases (gnomAD no frequency). This sequence change replaces valine, which is neutral and non-polar, with glutamic acid, which is acidic and polar, at codon 1458 of the OBSL1 protein (p.Val1458Glu).